The following is an entry in ClinVar:

ClinVar aggregate classification (germline): Benign/Likely benign. Review status: criteria provided, multiple submitters, no conflicts (2 of 4 stars). 3 submissions from 3 submitters: Benign (1); Likely benign (2). Last evaluated 2026-05-27.

Conditions:
ADGRV1-related disorder. Also called: ADGRV1-related disorders; ADGRV1-related condition.

Allele frequency attached by ClinVar (database versions not stated): gnomAD 0.00005 and 0.00004; TOPMed 0.00005; ESP Exome Variant Server 0.00008; gnomAD exomes below 0.00001; ExAC 0.00001.
gnomAD v4.1: 13 of 1,613,368 alleles (0.00081%); highest among the groups gnomAD compares: African/African-American, 0.015%; no homozygotes.

Submissions (3):

PreventionGenetics, part of Exact Sciences
Classification: Likely benign for ADGRV1-related condition. Last evaluated: 2026-05-27. Review status: criteria provided, single submitter. Criteria: ACMG Guidelines, 2015. Collection method: clinical testing. Allele origin: germline.
Comment: This variant is classified as likely benign based on ACMG/AMP sequence variant interpretation guidelines (Richards et al. 2015 PMID: 25741868, with internal and published modifications).

Labcorp Genetics (formerly Invitae), Labcorp
Classification: Benign. Last evaluated: 2025-12-21. Review status: criteria provided, single submitter. Criteria: Invitae Variant Classification Sherloc (09022015). Collection method: clinical testing. Allele origin: germline.

GeneDx
Classification: Likely benign. Last evaluated: 2018-04-20. Review status: criteria provided, single submitter. Criteria: GeneDx Variant Classification (06012015). Collection method: clinical testing. Allele origin: germline. Affected: yes.
Comment: This variant is considered likely benign or benign based on one or more of the following criteria: it is a conservative change, it occurs at a poorly conserved position in the protein, it is predicted to be benign by multiple in silico algorithms, and/or has population frequency not consistent with disease.

NM_032119.4(ADGRV1):c.4227C>T (p.Tyr1409=)

Gene: ADGRV1 (adhesion G protein-coupled receptor V1; plus strand). Cytogenetic location: 5q14.3.
Variant type: single nucleotide variant.
Coding change: c.4227C>T on transcript NM_032119.4 (MANE Select); coding-DNA position 4227, C replaced by T.
Protein change: p.Tyr1409=; no amino-acid change (tyrosine 1409 retained).
Molecular consequence: synonymous variant. On other transcripts: non-coding transcript variant (1).
Genome position (GRCh38, 1-based): chr5:90,653,801, C>T. VCF-style: chr5-90653801-C-T. GRCh37 (hg19) VCF-style: chr5-89949618-C-T.
Identifiers: ClinVar variation 681902 (VCV000681902.6), dbSNP rs375541132, ClinGen allele CA3339308.